The following is an entry in ClinVar:

ClinVar aggregate classification (germline): Benign/Likely benign. Review status: criteria provided, multiple submitters, no conflicts (2 of 4 stars). 3 submissions from 3 submitters: Benign (1); Likely benign (2). Last evaluated 2026-01-26.

Conditions:
Rhizomelic chondrodysplasia punctata type 3 (RCDP3). Also called: Alkylglycerone Phosphate Synthase (AGPS) deficiency; ALKYLDIHYDROXYACETONEPHOSPHATE SYNTHASE DEFICIENCY. Identifiers: Orphanet 177, Orphanet 309803, MedGen C1838612, MONDO:0010823, OMIM 600121. Disease mechanism: loss of function.

Allele frequency attached by ClinVar (database versions not stated): ESP Exome Variant Server 0.00047; gnomAD exomes 0.00074 and 0.00134; ExAC 0.00121; gnomAD 0.00154 and 0.00155; TOPMed 0.00169; 1000 Genomes Project 30x 0.00172; 1000 Genomes Project 0.00180.
gnomAD v4.1: 1,089 of 1,298,452 alleles (0.084%); highest among the groups gnomAD compares: East Asian, 1%; 1 homozygote.

Submissions (3):

Labcorp Genetics (formerly Invitae), Labcorp
Classification: Benign. Last evaluated: 2026-01-26. Review status: criteria provided, single submitter. Criteria: Invitae Variant Classification Sherloc (09022015). Collection method: clinical testing. Allele origin: germline.

Blueprint Genetics
Classification: Likely benign. Last evaluated: 2024-08-08. Review status: criteria provided, single submitter. Criteria: ACMG Guidelines, 2015. Collection method: clinical testing. Allele origin: germline.

Illumina Laboratory Services, Illumina
Classification: Likely benign for Rhizomelic chondrodysplasia punctata type 3. Last evaluated: 2018-01-13. Review status: criteria provided, single submitter. Criteria: ICSL Variant Classification Criteria 13 December 2019. Collection method: clinical testing. Allele origin: germline.
Comment: This variant was observed in the ICSL laboratory as part of a predisposition screen in an ostensibly healthy population. It had not been previously curated by ICSL or reported in the Human Gene Mutation Database (HGMD: prior to June 1st, 2018), and was therefore a candidate for classification through an automated scoring system. Utilizing variant allele frequency, disease prevalence and penetrance estimates, and inheritance mode, an automated score was calculated to assess if this variant is too frequent to cause the disease. Based on the score and internal cut-off values, a variant classified as likely benign is not then subjected to further curation. The score for this variant resulted in a classification of likely benign for this disease.

NM_003659.4(AGPS):c.1233+14T>A

Gene: AGPS (alkylglycerone phosphate synthase; plus strand). Cytogenetic location: 2q31.2.
Variant type: single nucleotide variant.
Coding change: c.1233+14T>A on transcript NM_003659.4 (MANE Select); 14 bases into the intron after coding-DNA position 1233, T replaced by A.
Molecular consequence: intron variant.
Genome position (GRCh38, 1-based): chr2:177,482,200, T>A. VCF-style: chr2-177482200-T-A. GRCh37 (hg19) VCF-style: chr2-178346928-T-A.
Identifiers: ClinVar variation 332520 (VCV000332520.13), dbSNP rs60463897, ClinGen allele CA1980252.